The following is an entry in ClinVar:

ClinVar aggregate classification (germline): Uncertain significance (1 of 4 stars; one submission).

Conditions:
Pityriasis rubra pilaris (PRP). Also called: Pityriasis rubra pilaris--familial type. Identifiers: Orphanet 2897, MedGen C0032027, MONDO:0100017, OMIM 173200, MONDO:0008251.
Psoriasis 2. Identifiers: MedGen C1864497, MONDO:0011269, OMIM 602723.

Submission:

Labcorp Genetics (formerly Invitae), Labcorp
Classification: Uncertain significance for Pityriasis rubra pilaris; Psoriasis 2. Last evaluated: 2018-04-05. Review status: criteria provided, single submitter. Criteria: Invitae Variant Classification Sherloc (09022015). Collection method: clinical testing. Allele origin: germline.
Comment: Algorithms developed to predict the effect of missense changes on protein structure and function (SIFT, PolyPhen-2, Align-GVGD) all suggest that this variant is likely to be tolerated, but these predictions have not been confirmed by published functional studies and their clinical significance is uncertain. In summary, the available evidence is currently insufficient to determine the role of this variant in disease. Therefore, it has been classified as a Variant of Uncertain Significance. This variant has not been reported in the literature in individuals with CARD14-related disease. This variant is not present in population databases (ExAC no frequency). This sequence change replaces arginine with leucine at codon 404 of the CARD14 protein (p.Arg404Leu). The arginine residue is moderately conserved and there is a moderate physicochemical difference between arginine and leucine.

NM_001366385.1(CARD14):c.1211G>T (p.Arg404Leu)

Gene: CARD14 (caspase recruitment domain family member 14; plus strand). Cytogenetic location: 17q25.3.
Variant type: single nucleotide variant.
Coding change: c.1211G>T on transcript NM_001366385.1 (MANE Select); coding-DNA position 1211, G replaced by T.
Protein change: p.Arg404Leu; replaces arginine 404 with leucine.
Molecular consequence: missense variant. On other transcripts: non-coding transcript variant (1).
Genome position (GRCh38, 1-based): chr17:80,191,444, G>T. VCF-style: chr17-80191444-G-T. GRCh37 (hg19) VCF-style: chr17-78165243-G-T.
Other names: c.1211G>T, p.Arg404Leu (NM_024110.4, NM_001257970.1); c.500G>T, p.Arg167Leu (NM_052819.3); short protein forms R404L, R167L.
Identifiers: ClinVar variation 566495 (VCV000566495.9), dbSNP rs978430125, ClinGen allele CA294866144.